The following is an entry in ClinVar:

NM_000388.4(CASR):c.2156G>C (p.Trp719Ser)

Gene: CASR (calcium sensing receptor; plus strand). Cytogenetic location: 3q21.1.
Variant type: single nucleotide variant.
Coding change: c.2156G>C on transcript NM_000388.4 (MANE Select); coding-DNA position 2156, G replaced by C.
Protein change: p.Trp719Ser; replaces tryptophan 719 with serine.
Molecular consequence: missense variant.
Genome position (GRCh38, 1-based): chr3:122,284,110, G>C. VCF-style: chr3-122284110-G-C. GRCh37 (hg19) VCF-style: chr3-122002957-G-C.
Other names: c.2186G>C, p.Trp729Ser (NM_001178065.2); short protein forms W719S, W729S.
Identifiers: ClinVar variation 3231529 (VCV003231529.1), dbSNP rs2107650046, ClinGen allele CA354158823.

ClinVar aggregate classification (germline): Uncertain significance (1 of 4 stars; one submission).

Conditions:
Nephrolithiasis/nephrocalcinosis. Identifiers: MedGen CN580796.

Submission:

Ambry Genetics
Classification: Uncertain significance for Nephrolithiasis/nephrocalcinosis. Last evaluated: 2023-09-28. Review status: criteria provided, single submitter. Criteria: Ambry Variant Classification Scheme 2023. Collection method: clinical testing. Allele origin: germline.
Comment: The p.W719S variant (also known as c.2156G>C), located in coding exon 6 of the CASR gene, results from a G to C substitution at nucleotide position 2156. The tryptophan at codon 719 is replaced by serine, an amino acid with highly dissimilar properties. This amino acid position is conserved. In addition, this alteration is predicted to be deleterious by in silico analysis. Since supporting evidence is limited at this time, the clinical significance of this alteration remains unclear.